The following is an entry in ClinVar:

NM_001377540.1(SLMAP):c.524C>G (p.Ala175Gly)

Gene: SLMAP (sarcolemma associated protein; plus strand). Cytogenetic location: 3p14.3.
Variant type: single nucleotide variant.
Coding change: c.524C>G on transcript NM_001377540.1 (MANE Select); coding-DNA position 524, C replaced by G.
Protein change: p.Ala175Gly; replaces alanine 175 with glycine.
Molecular consequence: missense variant. On other transcripts: non-coding transcript variant (1).
Genome position (GRCh38, 1-based): chr3:57,857,737, C>G. VCF-style: chr3-57857737-C-G. GRCh37 (hg19) VCF-style: chr3-57843464-C-G.
Other names: c.524C>G, p.Ala175Gly (NM_001304420.3, NM_001304421.2, NM_001377538.1 and 17 more transcripts); short protein forms A175G.
Identifiers: ClinVar variation 2561546 (VCV002561546.2), dbSNP rs773646953, ClinGen allele CA2466869.

ClinVar aggregate classification (germline): Uncertain significance (1 of 4 stars; one submission).

Allele frequency attached by ClinVar (database versions not stated): ExAC 0.00001; gnomAD 0.00001; gnomAD exomes 0.00001; TOPMed 0.00001.
gnomAD v4.1: 14 of 1,604,370 alleles (0.00087%); highest among the groups gnomAD compares: South Asian, 0.0044%; no homozygotes.

Submission:

Ambry Genetics
Classification: Uncertain significance. Last evaluated: 2023-03-16. Review status: criteria provided, single submitter. Criteria: Ambry Variant Classification Scheme 2023. Collection method: clinical testing. Allele origin: germline.
Comment: The p.A175G variant (also known as c.524C>G), located in coding exon 6 of the SLMAP gene, results from a C to G substitution at nucleotide position 524. The alanine at codon 175 is replaced by glycine, an amino acid with similar properties. This amino acid position is conserved. In addition, the in silico prediction for this alteration is inconclusive. Since supporting evidence is limited at this time, the clinical significance of this alteration remains unclear.